The following is an entry in ClinVar:

NM_003239.5(TGFB3):c.251A>C (p.His84Pro)

Gene: TGFB3 (transforming growth factor beta 3; minus strand). Cytogenetic location: 14q24.3.
Variant type: single nucleotide variant.
Coding change: c.251A>C on transcript NM_003239.5 (MANE Select); coding-DNA position 251, A replaced by C.
Protein change: p.His84Pro; replaces histidine 84 with proline.
Molecular consequence: missense variant.
Genome position (GRCh38, 1-based): chr14:75,980,643, T>G on the plus strand (A>C on the coding strand, the complement: TGFB3 is on the minus strand). VCF-style: chr14-75980643-T-G. GRCh37 (hg19) VCF-style: chr14-76446986-T-G.
Other names: c.251A>C, p.His84Pro (NM_001329938.2, NM_001329939.2); short protein forms H84P.
Identifiers: ClinVar variation 4751243 (VCV004751243.1).

ClinVar aggregate classification (germline): Uncertain significance (1 of 4 stars; one submission).

Conditions:
Rienhoff syndrome. Also called: LOEYS-DIETZ SYNDROME 5. Identifiers: MedGen C3810012, MONDO:0014262, OMIM 615582.

Submission:

Labcorp Genetics (formerly Invitae), Labcorp
Classification: Uncertain significance for Rienhoff syndrome. Last evaluated: 2025-10-28. Review status: criteria provided, single submitter. Criteria: Invitae Variant Classification Sherloc (09022015). Collection method: clinical testing. Allele origin: germline.
Comment: This sequence change replaces histidine, which is basic and polar, with proline, which is neutral and non-polar, at codon 84 of the TGFB3 protein (p.His84Pro). This variant is not present in population databases (gnomAD no frequency). This variant has not been reported in the literature in individuals affected with TGFB3-related conditions. Invitae Evidence Modeling of protein sequence and biophysical properties (such as structural, functional, and spatial information, amino acid conservation, physicochemical variation, residue mobility, and thermodynamic stability) indicates that this missense variant is not expected to disrupt TGFB3 protein function with a negative predictive value of 80%. In summary, the available evidence is currently insufficient to determine the role of this variant in disease. Therefore, it has been classified as a Variant of Uncertain Significance.